The following is an entry in ClinVar:

NM_024577.4(SH3TC2):c.3643C>T (p.Arg1215Cys)

Gene: SH3TC2 (SH3 domain and tetratricopeptide repeats 2; minus strand). Cytogenetic location: 5q32.
Variant type: single nucleotide variant.
Coding change: c.3643C>T on transcript NM_024577.4 (MANE Select); coding-DNA position 3643, C replaced by T.
Protein change: p.Arg1215Cys; replaces arginine 1215 with cysteine.
Molecular consequence: missense variant.
Genome position (GRCh38, 1-based): chr5:149,006,913, G>A on the plus strand (C>T on the coding strand, the complement: SH3TC2 is on the minus strand). VCF-style: chr5-149006913-G-A. GRCh37 (hg19) VCF-style: chr5-148386476-G-A.
Other names: short protein forms R1215C.
Identifiers: ClinVar variation 1933932 (VCV001933932.2), dbSNP rs267600481, ClinGen allele CA3498663.
Genomic context (GRCh38, chr5:149,006,913, plus strand): 5'-CAGGAAATCTGGGAAGTCTGGCTCTTACCTTCAGCTGGCAGAAGGTGAGTCTGCCCAGGC[G>A]ATAATACACCTTGGCATAGTACAGGGCCTCCTTGGGACTCTGCAGCCATGGTGGACAGAG-3'
Protein context (NP_078853.2, residues 1205-1225): EALYYAKVYY[Arg1215Cys]LGRLTFCQLK

ClinVar aggregate classification (germline): Uncertain significance (1 of 4 stars; one submission).

Conditions:
Charcot-Marie-Tooth disease type 4. Also called: Charcot-Marie-Tooth disease, type IV; Charcot-Marie-Tooth, Type 4. Identifiers: Orphanet 64749, MedGen C4082197, MONDO:0018995.

Allele frequency attached by ClinVar (database versions not stated): ExAC 0.00001; gnomAD exomes 0.00001.
gnomAD v4.1: 14 of 1,613,902 alleles (0.00087%); highest among the groups gnomAD compares: African/African-American, 0.004%; no homozygotes.

Submission:

Labcorp Genetics (formerly Invitae), Labcorp
Classification: Uncertain significance for Charcot-Marie-Tooth disease type 4. Last evaluated: 2022-06-08. Review status: criteria provided, single submitter. Criteria: Invitae Variant Classification Sherloc (09022015). Collection method: clinical testing. Allele origin: germline.
Comment: This sequence change replaces arginine, which is basic and polar, with cysteine, which is neutral and slightly polar, at codon 1215 of the SH3TC2 protein (p.Arg1215Cys). This variant is present in population databases (rs267600481, gnomAD 0.003%). This variant has not been reported in the literature in individuals affected with SH3TC2-related conditions. Advanced modeling of protein sequence and biophysical properties (such as structural, functional, and spatial information, amino acid conservation, physicochemical variation, residue mobility, and thermodynamic stability) performed at Invitae indicates that this missense variant is not expected to disrupt SH3TC2 protein function. In summary, the available evidence is currently insufficient to determine the role of this variant in disease. Therefore, it has been classified as a Variant of Uncertain Significance.